The following is an entry in ClinVar:

NM_002336.3(LRP6):c.2482A>G (p.Ile828Val)

Gene: LRP6 (LDL receptor related protein 6; minus strand). Cytogenetic location: 12p13.2.
Variant type: single nucleotide variant.
Coding change: c.2482A>G on transcript NM_002336.3 (MANE Select); coding-DNA position 2482, A replaced by G.
Protein change: p.Ile828Val; replaces isoleucine 828 with valine.
Molecular consequence: missense variant.
Genome position (GRCh38, 1-based): chr12:12,159,138, T>C on the plus strand (A>G on the coding strand, the complement: LRP6 is on the minus strand). VCF-style: chr12-12159138-T-C. GRCh37 (hg19) VCF-style: chr12-12312072-T-C.
Other names: short protein forms I828V.
Identifiers: ClinVar variation 1469209 (VCV001469209.8), dbSNP rs368501687, ClinGen allele CA6455432.

ClinVar aggregate classification (germline): Uncertain significance (1 of 4 stars; one submission).

Allele frequency attached by ClinVar (database versions not stated): ExAC 0.00002; gnomAD 0.00002; gnomAD exomes 0.00002 and 0.00004; TOPMed 0.00002; ESP Exome Variant Server 0.00015.
gnomAD v4.1: 65 of 1,613,880 alleles (0.004%); highest among the groups gnomAD compares: Non-Finnish European, 0.0053%; no homozygotes.

Submission:

Labcorp Genetics (formerly Invitae), Labcorp
Classification: Uncertain significance. Last evaluated: 2025-12-08. Review status: criteria provided, single submitter. Criteria: Invitae Variant Classification Sherloc (09022015). Collection method: clinical testing. Allele origin: germline.
Comment: This sequence change replaces isoleucine, which is neutral and non-polar, with valine, which is neutral and non-polar, at codon 828 of the LRP6 protein (p.Ile828Val). This variant is present in population databases (rs368501687, gnomAD 0.007%). This variant has not been reported in the literature in individuals affected with LRP6-related conditions. ClinVar contains an entry for this variant (Variation ID: 1469209). Invitae Evidence Modeling of protein sequence and biophysical properties (such as structural, functional, and spatial information, amino acid conservation, physicochemical variation, residue mobility, and thermodynamic stability) indicates that this missense variant is not expected to disrupt LRP6 protein function with a negative predictive value of 80%. In summary, the available evidence is currently insufficient to determine the role of this variant in disease. Therefore, it has been classified as a Variant of Uncertain Significance.